The following is an entry in ClinVar:

ClinVar aggregate classification (germline): Uncertain significance (1 of 4 stars; one submission).

Submission:

GeneDx
Classification: Uncertain significance. Last evaluated: 2023-06-27. Review status: criteria provided, single submitter. Criteria: GeneDx Variant Classification Process June 2021. Collection method: clinical testing. Allele origin: germline. Affected: yes.
Comment: Has not been previously published as pathogenic or benign to our knowledge; Variants in candidate genes are classified as variants of uncertain significance in accordance with ACMG guidelines (Richards et al., 2015); In silico analysis supports that this missense variant has a deleterious effect on protein structure/function

NM_024041.4(SCNM1):c.571G>T (p.Asp191Tyr)

Genes: SCNM1 (sodium channel modifier 1; plus strand), TNFAIP8L2-SCNM1 (TNFAIP8L2-SCNM1 readthrough; plus strand). Cytogenetic location: 1q21.3.
Variant type: single nucleotide variant.
Coding change: c.571G>T on transcript NM_024041.4 (MANE Select); coding-DNA position 571, G replaced by T.
Protein change: p.Asp191Tyr; replaces aspartic acid 191 with tyrosine.
Molecular consequence: missense variant. On other transcripts: non-coding transcript variant (2).
Genome position (GRCh38, 1-based): chr1:151,168,316, G>T. VCF-style: chr1-151168316-G-T. GRCh37 (hg19) VCF-style: chr1-151140792-G-T.
Other names: c.466G>T, p.Asp156Tyr (NM_001204848.2, NM_001204856.2); short protein forms D156Y, D191Y.
Identifiers: ClinVar variation 4532366 (VCV004532366.1).
Genomic context (GRCh38, chr1:151,168,316, plus strand): 5'-GAGGAGTCAGCAACTGTCTCAGCCCCTGCACCCATGAGCCCCACAAGAAGACGAGCCCTG[G>T]ACCATTATCTCACCCTTCGAAGGTGAGTATGCCTAATCAGTTTCCTCAGATTTTCTTTTC-3'
Protein context (NP_076946.1, residues 181-201): PMSPTRRRAL[Asp191Tyr]HYLTLRSSGW